The following is an entry in ClinVar:

ClinVar aggregate classification (germline): Uncertain significance (1 of 4 stars; one submission).

Conditions:
Familial thoracic aortic aneurysm and aortic dissection (TAAD). Also called: Thoracic aortic aneurysms and dissections. Identifiers: Orphanet 91387, MedGen C4707243, MONDO:0019625.

Allele frequency attached by ClinVar (database versions not stated): ExAC 0.00001.

Submission:

Color Diagnostics, LLC DBA Color Health
Classification: Uncertain significance for Familial thoracic aortic aneurysm and aortic dissection. Last evaluated: 2023-12-04. Review status: criteria provided, single submitter. Criteria: ACMG Guidelines, 2015. Collection method: clinical testing. Allele origin: germline.
Comment: Variant of Uncertain Significance due to insufficient evidence: This missense variant replaces asparagine with aspartic acid at codon 615 of the MYH11 protein. Computational prediction tools and conservation analyses are inconclusive regarding the impact of this variant on the protein function. Computational splicing tools suggest that this variant may not impact RNA splicing. To our knowledge, functional assays have not been performed for this variant nor has this variant been reported in individuals affected with cardiovascular disorders in the literature. This variant has not been identified in the general population by the Genome Aggregation Database (gnomAD). Available evidence is insufficient to determine the role of this variant in disease conclusively.

NM_002474.3(MYH11):c.1822A>G (p.Asn608Asp)

Gene: MYH11 (myosin heavy chain 11; minus strand). Cytogenetic location: 16p13.11.
Variant type: single nucleotide variant.
Coding change: c.1822A>G on transcript NM_002474.3 (MANE Select); coding-DNA position 1822, A replaced by G.
Protein change: p.Asn608Asp; replaces asparagine 608 with aspartic acid.
Molecular consequence: missense variant.
Genome position (GRCh38, 1-based): chr16:15,753,436, T>C on the plus strand (A>G on the coding strand, the complement: MYH11 is on the minus strand). VCF-style: chr16-15753436-T-C. GRCh37 (hg19) VCF-style: chr16-15847293-T-C.
Other names: c.1843A>G, p.Asn615Asp (NM_001040113.2, NM_001040114.2); c.1822A>G, p.Asn608Asp (NM_022844.3); short protein forms N615D, N608D.
Identifiers: ClinVar variation 919190 (VCV000919190.5), dbSNP rs758759408, ClinGen allele CA7922505.